The following is an entry in ClinVar:

NM_001136193.2(FASTKD2):c.1036C>T (p.Gln346Ter)

Gene: FASTKD2 (FAST kinase domains 2; plus strand). Cytogenetic location: 2q33.3.
Variant type: single nucleotide variant.
Coding change: c.1036C>T on transcript NM_001136193.2 (MANE Select); coding-DNA position 1036, C replaced by T.
Protein change: p.Gln346Ter; replaces glutamine 346 with a stop codon.
Molecular consequence: nonsense.
Genome position (GRCh38, 1-based): chr2:206,771,939, C>T. VCF-style: chr2-206771939-C-T. GRCh37 (hg19) VCF-style: chr2-207636663-C-T.
Other names: c.1036C>T, p.Gln346Ter (NM_001136194.2, NM_014929.4); short protein forms Q346*.
Identifiers: ClinVar variation 3629798 (VCV003629798.1).

ClinVar aggregate classification (germline): Pathogenic (1 of 4 stars; one submission).

Conditions:
Combined oxidative phosphorylation deficiency 44. Also called: FASTKD2-Related Combined Oxidative Phosphorylation Deficiency. Identifiers: MedGen C5394293, MONDO:0030020, OMIM 618855.

gnomAD v4.1: 1 of 1,610,654 alleles (0.000062%); highest among the groups gnomAD compares: Non-Finnish European, 0.000085%; no homozygotes.

Submission:

Women's Health and Genetics/Laboratory Corporation of America, LabCorp
Classification: Pathogenic for Combined oxidative phosphorylation deficiency 44. Last evaluated: 2024-11-06. Review status: criteria provided, single submitter. Criteria: LabCorp Variant Classification Summary - May 2015. Collection method: clinical testing. Allele origin: germline.
Comment: Variant summary: FASTKD2 c.1036C>T (p.Gln346X) results in a premature termination codon, predicted to cause a truncation of the encoded protein or absence of the protein due to nonsense mediated decay, which are commonly known mechanisms for disease. The variant was absent in 251396 control chromosomes. To our knowledge, no occurrence of c.1036C>T in individuals affected with Combined Oxidative Phosphorylation Deficiency 44 and no experimental evidence demonstrating its impact on protein function have been reported. No submitters have cited clinical-significance assessments for this variant to ClinVar. Based on the evidence outlined above, the variant was classified as pathogenic.